The following is an entry in ClinVar:

ClinVar aggregate classification (germline): Uncertain significance. Review status: criteria provided, multiple submitters, no conflicts (2 of 4 stars). 2 submissions from 2 submitters: Uncertain significance (2). Last evaluated 2025-07-16.

Conditions:
Pulmonary hypertension, primary, 1 (PPH1). Also called: Pulmonary hypertension, familial primary, 1, with or without HHT. Identifiers: Orphanet 422, MedGen C4552070, MONDO:0024533, OMIM 178600.
Pulmonary venoocclusive disease 1 (PVOD1). Also called: Pulmonary venoocclusive disease 1, autosomal dominant. Identifiers: Orphanet 31837, MedGen C3887658, MONDO:0020713, OMIM 265450.
Inborn genetic diseases. Identifiers: MedGen C0950123, MeSH D030342.

gnomAD v4.1: 3 of 1,614,130 alleles (0.00019%); highest among the groups gnomAD compares: Non-Finnish European, 0.00017%; no homozygotes.

Submissions (2):

Ambry Genetics
Classification: Uncertain significance for Inborn genetic diseases. Last evaluated: 2025-07-16. Review status: criteria provided, single submitter. Criteria: Ambry Variant Classification Scheme 2023. Collection method: clinical testing. Allele origin: germline.
Comment: The p.T603A variant (also known as c.1807A>G), located in coding exon 12 of the BMPR2 gene, results from an A to G substitution at nucleotide position 1807. The threonine at codon 603 is replaced by alanine, an amino acid with similar properties. This amino acid position is conserved. In addition, the in silico prediction for this alteration is inconclusive. Based on the available evidence, the clinical significance of this variant remains unclear.

Fulgent Genetics
Classification: Uncertain significance for Pulmonary hypertension, primary, 1; Pulmonary venoocclusive disease 1. Last evaluated: 2024-04-02. Review status: criteria provided, single submitter. Criteria: ACMG Guidelines, 2015. Collection method: clinical testing. Allele origin: germline.

NM_001204.7(BMPR2):c.1807A>G (p.Thr603Ala)

Gene: BMPR2 (bone morphogenetic protein receptor type 2; plus strand). Cytogenetic location: 2q33.2.
Variant type: single nucleotide variant.
Coding change: c.1807A>G on transcript NM_001204.7 (MANE Select); coding-DNA position 1807, A replaced by G.
Protein change: p.Thr603Ala; replaces threonine 603 with alanine.
Molecular consequence: missense variant.
Genome position (GRCh38, 1-based): chr2:202,555,472, A>G. VCF-style: chr2-202555472-A-G. GRCh37 (hg19) VCF-style: chr2-203420195-A-G.
Other names: short protein forms T603A.
Identifiers: ClinVar variation 3585290 (VCV003585290.2).